The following is an entry in ClinVar:

ClinVar aggregate classification (germline): Uncertain significance (1 of 4 stars; one submission).

Allele frequency attached by ClinVar (database versions not stated): gnomAD exomes below 0.00001.

Submission:

Labcorp Genetics (formerly Invitae), Labcorp
Classification: Uncertain significance. Last evaluated: 2025-12-10. Review status: criteria provided, single submitter. Criteria: Invitae Variant Classification Sherloc (09022015). Collection method: clinical testing. Allele origin: germline.
Comment: This sequence change replaces alanine, which is neutral and non-polar, with valine, which is neutral and non-polar, at codon 1143 of the DUOX2 protein (p.Ala1143Val). This variant is not present in population databases (gnomAD no frequency). This variant has not been reported in the literature in individuals affected with DUOX2-related conditions. ClinVar contains an entry for this variant (Variation ID: 2856161). Invitae Evidence Modeling of protein sequence and biophysical properties (such as structural, functional, and spatial information, amino acid conservation, physicochemical variation, residue mobility, and thermodynamic stability) indicates that this missense variant is not expected to disrupt DUOX2 protein function with a negative predictive value of 80%. In summary, the available evidence is currently insufficient to determine the role of this variant in disease. Therefore, it has been classified as a Variant of Uncertain Significance.

NM_001363711.2(DUOX2):c.3428C>T (p.Ala1143Val)

Gene: DUOX2 (dual oxidase 2; minus strand). Cytogenetic location: 15q21.1.
Variant type: single nucleotide variant.
Coding change: c.3428C>T on transcript NM_001363711.2 (MANE Select); coding-DNA position 3428, C replaced by T.
Protein change: p.Ala1143Val; replaces alanine 1143 with valine.
Molecular consequence: missense variant.
Genome position (GRCh38, 1-based): chr15:45,099,470, G>A on the plus strand (C>T on the coding strand, the complement: DUOX2 is on the minus strand). VCF-style: chr15-45099470-G-A. GRCh37 (hg19) VCF-style: chr15-45391668-G-A.
Other names: c.3428C>T, p.Ala1143Val (NM_014080.5); short protein forms A1143V.
Identifiers: ClinVar variation 2856161 (VCV002856161.3), dbSNP rs2141143866, ClinGen allele CA392259461.